The following is an entry in ClinVar:

NM_014055.4(IFT81):c.1120A>G (p.Arg374Gly)

Gene: IFT81 (intraflagellar transport 81; plus strand). Cytogenetic location: 12q24.11.
Variant type: single nucleotide variant.
Coding change: c.1120A>G on transcript NM_014055.4 (MANE Select); coding-DNA position 1120, A replaced by G.
Protein change: p.Arg374Gly; replaces arginine 374 with glycine.
Molecular consequence: missense variant. On other transcripts: non-coding transcript variant (4).
Genome position (GRCh38, 1-based): chr12:110,162,997, A>G. VCF-style: chr12-110162997-A-G. GRCh37 (hg19) VCF-style: chr12-110600802-A-G.
Other names: c.1120A>G, p.Arg374Gly (NM_001143779.2, NM_001347946.2, NM_031473.4); c.190A>G, p.Arg64Gly (NM_001347947.2, NM_001347948.2); short protein forms R374G, R64G.
Identifiers: ClinVar variation 2009213 (VCV002009213.4), dbSNP rs1429462258, ClinGen allele CA386914153.

ClinVar aggregate classification (germline): Uncertain significance (1 of 4 stars; one submission).

Allele frequency attached by ClinVar (database versions not stated): gnomAD exomes below 0.00001.
gnomAD v4.1: 3 of 1,614,048 alleles (0.00019%); highest among the groups gnomAD compares: African/African-American, 0.0027%; no homozygotes.

Submission:

Labcorp Genetics (formerly Invitae), Labcorp
Classification: Uncertain significance. Last evaluated: 2023-07-17. Review status: criteria provided, single submitter. Criteria: Invitae Variant Classification Sherloc (09022015). Collection method: clinical testing. Allele origin: germline.
Comment: This variant is present in population databases (no rsID available, gnomAD 0.003%). This variant has not been reported in the literature in individuals affected with IFT81-related conditions. ClinVar contains an entry for this variant (Variation ID: 2009213). Advanced modeling of protein sequence and biophysical properties (such as structural, functional, and spatial information, amino acid conservation, physicochemical variation, residue mobility, and thermodynamic stability) performed at Invitae indicates that this missense variant is not expected to disrupt IFT81 protein function. In summary, the available evidence is currently insufficient to determine the role of this variant in disease. Therefore, it has been classified as a Variant of Uncertain Significance. This sequence change replaces arginine, which is basic and polar, with glycine, which is neutral and non-polar, at codon 374 of the IFT81 protein (p.Arg374Gly).